The following is an entry in ClinVar:

NM_000435.3(NOTCH3):c.601T>C (p.Cys201Arg)

Gene: NOTCH3 (notch receptor 3; minus strand). Cytogenetic location: 19p13.12.
Variant type: single nucleotide variant.
Coding change: c.601T>C on transcript NM_000435.3 (MANE Select); coding-DNA position 601, T replaced by C.
Protein change: p.Cys201Arg; replaces cysteine 201 with arginine.
Molecular consequence: missense variant.
Genome position (GRCh38, 1-based): chr19:15,192,038, A>G on the plus strand (T>C on the coding strand, the complement: NOTCH3 is on the minus strand). VCF-style: chr19-15192038-A-G. GRCh37 (hg19) VCF-style: chr19-15302849-A-G.
Other names: c.601T>C (NM_000435.2); short protein forms C201R.
Identifiers: ClinVar variation 3777153 (VCV003777153.1).

ClinVar aggregate classification (germline): Likely pathogenic (1 of 4 stars; one submission).

Conditions:
Cerebral arteriopathy, autosomal dominant, with subcortical infarcts and leukoencephalopathy, type 1 (CADASIL1). Also called: CADASIL 1; CASIL; Cerebral arteriopathy with subcortical infarcts and leukoencephalopathy 1; DEMENTIA, HEREDITARY MULTIINFARCT TYPE. Identifiers: Orphanet 136, MedGen C4551768, MONDO:0000914, OMIM 125310.

Submission:

University of Washington Department of Laboratory Medicine, University of Washington
Classification: Likely pathogenic for Cerebral arteriopathy, autosomal dominant, with subcortical infarcts and leukoencephalopathy, type 1. Last evaluated: 2021-08-26. Review status: criteria provided, single submitter. Criteria: ACMG Guidelines, 2015. Collection method: clinical testing. Allele origin: unknown. Affected: yes.
Comment: The p.Cys201Arg variant in the NOTCH3 gene has been reported in one individual with a personal and family history consistent with CADASIL (Uyguner 2006) and was absent from large population databases, including the Genome Aggregation Database. Multiple different amino acid changes (p.Cys201Tyr, p.Cys201Ser, p.Cys201Gly, p.Cys201Phe) have also been previously described at this residue (Opherk 2004, Chen 2017, ClinVar). This cysteine residue is predicted to form a disulfide bond within an EGF-like repeat domain of the NOTCH3 protein. Variants creating or disrupting cysteine residues within the EGF-like repeat domains of NOTCH3 are are common variant type associated with CADASIL (Testi 2012). In silico tools predict that the p.Cys201Arg variant is deleterious; however, these predictions have not been tested directly. Additionally, the NOTCH3 gene has fewer missense variants in the general population than expected. A low rate of missense variation may suggest that this gene is intolerant to missense variation. Using ACMG guidelines, this variant was classified as likely pathogenic for cerebral autosomal dominant arteriopathy with subcortical infarcts and leukoencephalopathy (CADASIL) (ACMG evidence codes used: PS4_moderate, PM1, PM5, PM2_supporting, PP2, PP3).